The following is an entry in ClinVar:

ClinVar aggregate classification (germline): Uncertain significance (1 of 4 stars; one submission).

Conditions:
Autosomal dominant limb-girdle muscular dystrophy type 1G (LGMDD3). Also called: Limb-girdle muscular dystrophy, type 1G; MUSCULAR DYSTROPHY, LIMB-GIRDLE, AUTOSOMAL DOMINANT 3. Identifiers: Orphanet 55596, MedGen C1836765, MONDO:0012193, OMIM 609115.

Allele frequency attached by ClinVar (database versions not stated): ExAC below 0.00001; gnomAD 0.00012; TOPMed 0.00015; gnomAD exomes 0.00016 and 0.00030.
gnomAD v4.1: 411 of 1,458,050 alleles (0.028%); highest among the groups gnomAD compares: Non-Finnish European, 0.035%; no homozygotes.

Submission:

Labcorp Genetics (formerly Invitae), Labcorp
Classification: Uncertain significance for Autosomal dominant limb-girdle muscular dystrophy type 1G. Last evaluated: 2026-02-01. Review status: criteria provided, single submitter. Criteria: Invitae Variant Classification Sherloc (09022015). Collection method: clinical testing. Allele origin: germline.
Comment: This sequence change replaces serine, which is neutral and polar, with glycine, which is neutral and non-polar, at codon 48 of the HNRNPDL protein (p.Ser48Gly). This variant is present in population databases (rs767331682, gnomAD 0.02%). This variant has not been reported in the literature in individuals affected with HNRNPDL-related conditions. ClinVar contains an entry for this variant (Variation ID: 642311). An algorithm developed to predict the effect of missense changes on protein structure and function outputs the following: PolyPhen-2: "Benign". The glycine amino acid residue is found in multiple mammalian species, which suggests that this missense change does not adversely affect protein function. In summary, the available evidence is currently insufficient to determine the role of this variant in disease. Therefore, it has been classified as a Variant of Uncertain Significance.

NM_031372.4(HNRNPDL):c.142A>G (p.Ser48Gly)

Gene: HNRNPDL (heterogeneous nuclear ribonucleoprotein D like; minus strand). Cytogenetic location: 4q21.22.
Variant type: single nucleotide variant.
Coding change: c.142A>G on transcript NM_031372.4 (MANE Select); coding-DNA position 142, A replaced by G.
Protein change: p.Ser48Gly; replaces serine 48 with glycine.
Molecular consequence: missense variant. On other transcripts: non-coding transcript variant (1).
Genome position (GRCh38, 1-based): chr4:82,429,549, T>C on the plus strand (A>G on the coding strand, the complement: HNRNPDL is on the minus strand). VCF-style: chr4-82429549-T-C. GRCh37 (hg19) VCF-style: chr4-83350702-T-C.
Other names: c.142A>G, p.Ser48Gly (NM_001207000.1); short protein forms S48G.
Identifiers: ClinVar variation 642311 (VCV000642311.10), dbSNP rs767331682, ClinGen allele CA2985133.